The following is an entry in ClinVar:

ClinVar aggregate classification (germline): Uncertain significance (1 of 4 stars; one submission).

Conditions:
Tuberous sclerosis 1 (TSC1). Identifiers: Orphanet 805, MedGen C1854465, MONDO:0008612, OMIM 191100.

Submission:

Labcorp Genetics (formerly Invitae), Labcorp
Classification: Uncertain significance for Tuberous sclerosis 1. Last evaluated: 2024-06-17. Review status: criteria provided, single submitter. Criteria: Invitae Variant Classification Sherloc (09022015). Collection method: clinical testing. Allele origin: germline.
Comment: This sequence change replaces threonine, which is neutral and polar, with serine, which is neutral and polar, at codon 360 of the TSC1 protein (p.Thr360Ser). This variant is not present in population databases (gnomAD no frequency). This variant has not been reported in the literature in individuals affected with TSC1-related conditions. ClinVar contains an entry for this variant (Variation ID: 466004). Advanced modeling of protein sequence and biophysical properties (such as structural, functional, and spatial information, amino acid conservation, physicochemical variation, residue mobility, and thermodynamic stability) performed at Invitae indicates that this missense variant is not expected to disrupt TSC1 protein function with a negative predictive value of 95%. In summary, the available evidence is currently insufficient to determine the role of this variant in disease. Therefore, it has been classified as a Variant of Uncertain Significance.

NM_000368.5(TSC1):c.1078A>T (p.Thr360Ser)

Gene: TSC1 (TSC complex subunit 1; minus strand). Cytogenetic location: 9q34.13.
Variant type: single nucleotide variant.
Coding change: c.1078A>T on transcript NM_000368.5 (MANE Select); coding-DNA position 1078, A replaced by T.
Protein change: p.Thr360Ser; replaces threonine 360 with serine.
Molecular consequence: missense variant.
Genome position (GRCh38, 1-based): chr9:132,911,065, T>A on the plus strand (A>T on the coding strand, the complement: TSC1 is on the minus strand). VCF-style: chr9-132911065-T-A. GRCh37 (hg19) VCF-style: chr9-135786452-T-A.
Other names: c.1078A>T, p.Thr360Ser (NM_001162426.2); c.925A>T, p.Thr309Ser (NM_001162427.2); c.715A>T, p.Thr239Ser (NM_001362177.2); short protein forms T360S, T239S, T309S.
Identifiers: ClinVar variation 466004 (VCV000466004.7), dbSNP rs201738258, ClinGen allele CA375367641.